The following is an entry in ClinVar:

ClinVar aggregate classification (germline): Likely benign. Review status: criteria provided, single submitter (1 of 4 stars). 2 submissions from 2 submitters: Likely benign (1). 1 of the submissions does not count toward it. Last evaluated 2025-11-25.

Conditions:
NBAS-related disorder. Also called: NBAS-related condition.

Allele frequency attached by ClinVar (database versions not stated): ExAC 0.00002; gnomAD exomes 0.00004; ESP Exome Variant Server 0.00008; 1000 Genomes Project 30x 0.00016; 1000 Genomes Project 0.00020.
gnomAD v4.1: 74 of 1,614,214 alleles (0.0046%); highest among the groups gnomAD compares: Middle Eastern, 0.033%; no homozygotes.

Submissions (2):

Labcorp Genetics (formerly Invitae), Labcorp
Classification: Likely benign. Last evaluated: 2025-11-25. Review status: criteria provided, single submitter. Criteria: Invitae Variant Classification Sherloc (09022015). Collection method: clinical testing. Allele origin: germline.

PreventionGenetics, part of Exact Sciences
Classification: Likely benign for NBAS-related condition. Last evaluated: 2024-06-12. Review status: no assertion criteria provided. Collection method: clinical testing. Allele origin: germline. Not counted in ClinVar's aggregate classification.
Comment: This variant is classified as likely benign based on ACMG/AMP sequence variant interpretation guidelines (Richards et al. 2015 PMID: 25741868, with internal and published modifications).

NM_015909.4(NBAS):c.426C>T (p.Tyr142=)

Gene: NBAS (NBAS subunit of NRZ tethering complex; minus strand). Cytogenetic location: 2p24.3.
Variant type: single nucleotide variant.
Coding change: c.426C>T on transcript NM_015909.4 (MANE Select); coding-DNA position 426, C replaced by T.
Protein change: p.Tyr142=; no amino-acid change (tyrosine 142 retained).
Molecular consequence: synonymous variant. On other transcripts: non-coding transcript variant (1).
Genome position (GRCh38, 1-based): chr2:15,539,310, G>A on the plus strand (C>T on the coding strand, the complement: NBAS is on the minus strand). VCF-style: chr2-15539310-G-A. GRCh37 (hg19) VCF-style: chr2-15679434-G-A.
Other names: c.426C>T (NM_015909.3).
Identifiers: ClinVar variation 1623824 (VCV001623824.10), dbSNP rs184712559, ClinGen allele CA1537057.